The following is an entry in ClinVar:

ClinVar aggregate classification (germline): Uncertain significance. Review status: criteria provided, multiple submitters, no conflicts (2 of 4 stars). 3 submissions from 3 submitters: Uncertain significance (3). Last evaluated 2025-12-22.

Conditions:
X-linked Emery-Dreifuss muscular dystrophy. Also called: Muscular dystrophy, tardive Emery-Dreifuss type, with contractures. Identifiers: Orphanet 261, Orphanet 98863, MedGen C0751337, MONDO:0010680.
Cardiovascular phenotype. Identifiers: MedGen CN230736.

Allele frequency attached by ClinVar (database versions not stated): gnomAD exomes below 0.00001 and 0.00001; TOPMed below 0.00001; ExAC 0.00001; gnomAD 0.00002.

Submissions (3):

Ambry Genetics
Classification: Uncertain significance for Cardiovascular phenotype. Last evaluated: 2025-12-22. Review status: criteria provided, single submitter. Criteria: Ambry Variant Classification Scheme 2023. Collection method: clinical testing. Allele origin: germline.
Comment: The p.F235S variant (also known as c.704T>C), located in coding exon 6 of the EMD gene, results from a T to C substitution at nucleotide position 704. The phenylalanine at codon 235 is replaced by serine, an amino acid with highly dissimilar properties. This amino acid position is highly conserved in available vertebrate species. In addition, this alteration is predicted to be deleterious by in silico analysis. Based on data from gnomAD, the C allele has an overall frequency of 0.0015% (3/204580) total alleles studied, with 1 hemizygote(s) observed. The highest observed frequency was 0.0202% (3/14840) of East Asian (EAS) alleles. Based on the available evidence, the clinical significance of this variant remains unclear.

Labcorp Genetics (formerly Invitae), Labcorp
Classification: Uncertain significance for X-linked Emery-Dreifuss muscular dystrophy. Last evaluated: 2021-08-27. Review status: criteria provided, single submitter. Criteria: Invitae Variant Classification Sherloc (09022015). Collection method: clinical testing. Allele origin: germline.
Comment: This sequence change replaces phenylalanine with serine at codon 235 of the EMD protein (p.Phe235Ser). The phenylalanine residue is highly conserved and there is a large physicochemical difference between phenylalanine and serine. This variant is present in population databases (rs782627156, ExAC 0.02%). This variant has not been reported in the literature in individuals affected with EMD-related conditions. ClinVar contains an entry for this variant (Variation ID: 531734). Algorithms developed to predict the effect of missense changes on protein structure and function are either unavailable or do not agree on the potential impact of this missense change (SIFT: "Deleterious"; PolyPhen-2: "Probably Damaging"; Align-GVGD: "Class C0"). In summary, the available evidence is currently insufficient to determine the role of this variant in disease. Therefore, it has been classified as a Variant of Uncertain Significance.

Eurofins Ntd Llc (ga)
Classification: Uncertain significance. Last evaluated: 2018-08-02. Review status: criteria provided, single submitter. Criteria: EGL ClinVar v180209 classification definitions. Collection method: clinical testing. Allele origin: germline. Observed: 1 variant allele, 1 hemizygote.

NM_000117.3(EMD):c.704T>C (p.Phe235Ser)

Gene: EMD (emerin; plus strand). Cytogenetic location: Xq28.
Variant type: single nucleotide variant.
Coding change: c.704T>C on transcript NM_000117.3 (MANE Select); coding-DNA position 704, T replaced by C.
Protein change: p.Phe235Ser; replaces phenylalanine 235 with serine.
Molecular consequence: missense variant.
Genome position (GRCh38, 1-based): chrX:154,381,136, T>C. VCF-style: chrX-154381136-T-C. GRCh37 (hg19) VCF-style: chrX-153609496-T-C.
Other names: short protein forms F235S.
Identifiers: ClinVar variation 531734 (VCV000531734.10), dbSNP rs782627156, ClinGen allele CA10561663.